The following is an entry in ClinVar:

ClinVar aggregate classification (germline): Likely benign (1 of 4 stars; one submission).

Submission:

CeGaT Center for Human Genetics Tuebingen
Classification: Likely benign. Last evaluated: 2026-09-01. Review status: criteria provided, single submitter. Criteria: CeGaT Center For Human Genetics Tuebingen Variant Classification Criteria Version 2. Collection method: clinical testing. Allele origin: germline. Affected: yes. Observed: 3 variant alleles.
Comment: SOX4: BP4, BP7

NM_003107.3(SOX4):c.1248C>T (p.Ser416=)

Gene: SOX4 (SRY-box transcription factor 4; plus strand). Cytogenetic location: 6p22.3.
Variant type: single nucleotide variant.
Coding change: c.1248C>T on transcript NM_003107.3 (MANE Select); coding-DNA position 1248, C replaced by T.
Protein change: p.Ser416=; no amino-acid change (serine 416 retained).
Molecular consequence: synonymous variant.
Genome position (GRCh38, 1-based): chr6:21,595,782, C>T. VCF-style: chr6-21595782-C-T. GRCh37 (hg19) VCF-style: chr6-21596013-C-T.
Identifiers: ClinVar variation 5038490 (VCV005038490.1).